The following is an entry in ClinVar:

NM_004304.5(ALK):c.1205T>G (p.Val402Gly)

Gene: ALK (ALK receptor tyrosine kinase; minus strand). Cytogenetic location: 2p23.2.
Variant type: single nucleotide variant.
Coding change: c.1205T>G on transcript NM_004304.5 (MANE Select); coding-DNA position 1205, T replaced by G.
Protein change: p.Val402Gly; replaces valine 402 with glycine.
Molecular consequence: missense variant.
Genome position (GRCh38, 1-based): chr2:29,383,809, A>C on the plus strand (T>G on the coding strand, the complement: ALK is on the minus strand). VCF-style: chr2-29383809-A-C. GRCh37 (hg19) VCF-style: chr2-29606675-A-C.
Other names: short protein forms V402G.
Identifiers: ClinVar variation 4827094 (VCV004827094.1).

ClinVar aggregate classification (germline): Uncertain significance (1 of 4 stars; one submission).

Conditions:
Hereditary cancer-predisposing syndrome. Also called: Neoplastic Syndromes, Hereditary; Tumor predisposition; Hereditary Cancer Syndrome; Hereditary neoplastic syndrome. Identifiers: Orphanet 140162, MedGen C0027672, MeSH D009386, MONDO:0015356.

Submission:

Ambry Genetics
Classification: Uncertain significance for Hereditary cancer-predisposing syndrome. Last evaluated: 2026-02-24. Review status: criteria provided, single submitter. Criteria: Ambry Variant Classification Scheme 2023. Collection method: clinical testing. Allele origin: germline.
Comment: The p.V402G variant (also known as c.1205T>G), located in coding exon 5 of the ALK gene, results from a T to G substitution at nucleotide position 1205. The valine at codon 402 is replaced by glycine, an amino acid with dissimilar properties. This amino acid position is conserved. In addition, this alteration is predicted to be tolerated by in silico analysis. Based on the available evidence, the clinical significance of this variant remains unclear.